The following is an entry in ClinVar:

ClinVar aggregate classification (germline): Uncertain significance (1 of 4 stars; one submission).

Conditions:
Familial hemophagocytic lymphohistiocytosis 2 (FHL2). Also called: PRF1-Related Familial Hemophagocytic Lymphohistiocytosis (PRF1-fHLH). Identifiers: Orphanet 540, MedGen C1863727, MONDO:0011337, OMIM 603553.

Submission:

Labcorp Genetics (formerly Invitae), Labcorp
Classification: Uncertain significance for Familial hemophagocytic lymphohistiocytosis 2. Last evaluated: 2025-12-03. Review status: criteria provided, single submitter. Criteria: Invitae Variant Classification Sherloc (09022015). Collection method: clinical testing. Allele origin: germline.
Comment: This sequence change replaces serine, which is neutral and polar, with threonine, which is neutral and polar, at codon 112 of the PRF1 protein (p.Ser112Thr). This variant is not present in population databases (gnomAD no frequency). This variant has not been reported in the literature in individuals affected with PRF1-related conditions. Invitae Evidence Modeling of protein sequence and biophysical properties (such as structural, functional, and spatial information, amino acid conservation, physicochemical variation, residue mobility, and thermodynamic stability) indicates that this missense variant is not expected to disrupt PRF1 protein function with a negative predictive value of 95%. In summary, the available evidence is currently insufficient to determine the role of this variant in disease. Therefore, it has been classified as a Variant of Uncertain Significance.

NM_001083116.3(PRF1):c.335G>C (p.Ser112Thr)

Gene: PRF1 (perforin 1; minus strand). Cytogenetic location: 10q22.1.
Variant type: single nucleotide variant.
Coding change: c.335G>C on transcript NM_001083116.3 (MANE Select); coding-DNA position 335, G replaced by C.
Protein change: p.Ser112Thr; replaces serine 112 with threonine.
Molecular consequence: missense variant.
Genome position (GRCh38, 1-based): chr10:70,600,568, C>G on the plus strand (G>C on the coding strand, the complement: PRF1 is on the minus strand). VCF-style: chr10-70600568-C-G. GRCh37 (hg19) VCF-style: chr10-72360324-C-G.
Other names: c.335G>C, p.Ser112Thr (NM_005041.6); short protein forms S112T.
Identifiers: ClinVar variation 4802623 (VCV004802623.1).